The following is an entry in ClinVar:

NM_001080512.3(BICC1):c.1859G>T (p.Gly620Val)

Gene: BICC1 (BicC family RNA binding protein 1; plus strand). Cytogenetic location: 10q21.1.
Variant type: single nucleotide variant.
Coding change: c.1859G>T on transcript NM_001080512.3 (MANE Select); coding-DNA position 1859, G replaced by T.
Protein change: p.Gly620Val; replaces glycine 620 with valine.
Molecular consequence: missense variant.
Genome position (GRCh38, 1-based): chr10:58,800,890, G>T. VCF-style: chr10-58800890-G-T. GRCh37 (hg19) VCF-style: chr10-60560650-G-T.
Other names: short protein forms G620V.
Identifiers: ClinVar variation 1383427 (VCV001383427.6), dbSNP rs770410935, ClinGen allele CA5508634.

ClinVar aggregate classification (germline): Uncertain significance (1 of 4 stars; one submission).

gnomAD v4.1: 32 of 1,591,950 alleles (0.002%); highest among the groups gnomAD compares: Non-Finnish European, 0.0025%; no homozygotes.

Submission:

Labcorp Genetics (formerly Invitae), Labcorp
Classification: Uncertain significance. Last evaluated: 2025-02-24. Review status: criteria provided, single submitter. Criteria: Invitae Variant Classification Sherloc (09022015). Collection method: clinical testing. Allele origin: germline.
Comment: This sequence change replaces glycine, which is neutral and non-polar, with valine, which is neutral and non-polar, at codon 620 of the BICC1 protein (p.Gly620Val). This variant is present in population databases (rs770410935, gnomAD 0.004%). This variant has not been reported in the literature in individuals affected with BICC1-related conditions. ClinVar contains an entry for this variant (Variation ID: 1383427). An algorithm developed to predict the effect of missense changes on protein structure and function (PolyPhen-2) suggests that this variant is likely to be disruptive. In summary, the available evidence is currently insufficient to determine the role of this variant in disease. Therefore, it has been classified as a Variant of Uncertain Significance.